The following is an entry in ClinVar:

ClinVar aggregate classification (germline): Uncertain significance (1 of 4 stars; one submission).

Conditions:
Inborn genetic diseases. Identifiers: MedGen C0950123, MeSH D030342.

Submission:

Ambry Genetics
Classification: Uncertain significance for Inborn genetic diseases. Last evaluated: 2025-02-05. Review status: criteria provided, single submitter. Criteria: Ambry Variant Classification Scheme 2023. Collection method: clinical testing. Allele origin: germline.
Comment: The p.F320L variant (also known as c.958T>C), located in coding exon 11 of the FANCA gene, results from a T to C substitution at nucleotide position 958. The phenylalanine at codon 320 is replaced by leucine, an amino acid with highly similar properties. This amino acid position is conserved. In addition, this alteration is predicted to be tolerated by in silico analysis. Based on the available evidence, the clinical significance of this variant remains unclear.

NM_000135.4(FANCA):c.958T>C (p.Phe320Leu)

Gene: FANCA (FA complementation group A; minus strand). Cytogenetic location: 16q24.3.
Variant type: single nucleotide variant.
Coding change: c.958T>C on transcript NM_000135.4 (MANE Select); coding-DNA position 958, T replaced by C.
Protein change: p.Phe320Leu; replaces phenylalanine 320 with leucine.
Molecular consequence: missense variant.
Genome position (GRCh38, 1-based): chr16:89,795,954, A>G on the plus strand (T>C on the coding strand, the complement: FANCA is on the minus strand). VCF-style: chr16-89795954-A-G. GRCh37 (hg19) VCF-style: chr16-89862362-A-G.
Other names: c.958T>C, p.Phe320Leu (NM_001286167.3); short protein forms F320L.
Identifiers: ClinVar variation 3848189 (VCV003848189.1).